The following is an entry in ClinVar:

ClinVar aggregate classification (germline): Uncertain significance. Review status: criteria provided, multiple submitters, no conflicts (2 of 4 stars). 3 submissions from 3 submitters: Uncertain significance (3). Last evaluated 2025-11-24.

Conditions:
Colorectal cancer, susceptibility to, 1. Also called: COLORECTAL ADENOMA AND CANCER, SUSCEPTIBILITY TO; COLORECTAL CANCER, SUSCEPTIBILITY TO, ON CHROMOSOME 9. Identifiers: MedGen C1837315, MONDO:0012132, OMIM 608812.

Allele frequency attached by ClinVar (database versions not stated): gnomAD exomes 0.00001.
gnomAD v4.1: 4 of 1,614,056 alleles (0.00025%); highest among the groups gnomAD compares: Non-Finnish European, 0.00034%; no homozygotes.

Submissions (3):

Ambry Genetics
Classification: Uncertain significance. Last evaluated: 2025-11-24. Review status: criteria provided, single submitter. Criteria: Ambry Variant Classification Scheme 2023. Collection method: clinical testing. Allele origin: germline.
Comment: The p.D329N variant (also known as c.985G>A), located in coding exon 5 of the GALNT12 gene, results from a G to A substitution at nucleotide position 985. The aspartic acid at codon 329 is replaced by asparagine, an amino acid with highly similar properties. This amino acid position is conserved. In addition, the in silico prediction for this alteration is inconclusive. Since supporting evidence is limited at this time, the clinical significance of this alteration remains unclear.

Baylor Genetics
Classification: Uncertain significance for Colorectal cancer, susceptibility to, 1. Last evaluated: 2024-01-22. Review status: criteria provided, single submitter. Criteria: ACMG Guidelines, 2015. Collection method: clinical testing. Allele origin: unknown.

Labcorp Genetics (formerly Invitae), Labcorp
Classification: Uncertain significance. Last evaluated: 2022-06-22. Review status: criteria provided, single submitter. Criteria: Invitae Variant Classification Sherloc (09022015). Collection method: clinical testing. Allele origin: germline.
Comment: This variant is not present in population databases (gnomAD no frequency). This variant has not been reported in the literature in individuals affected with GALNT12-related conditions. Algorithms developed to predict the effect of missense changes on protein structure and function are either unavailable or do not agree on the potential impact of this missense change (SIFT: "Deleterious"; PolyPhen-2: "Probably Damaging"; Align-GVGD: "Class C0"). In summary, the available evidence is currently insufficient to determine the role of this variant in disease. Therefore, it has been classified as a Variant of Uncertain Significance. This sequence change replaces aspartic acid, which is acidic and polar, with asparagine, which is neutral and polar, at codon 329 of the GALNT12 protein (p.Asp329Asn).

NM_024642.5(GALNT12):c.985G>A (p.Asp329Asn)

Gene: GALNT12 (polypeptide N-acetylgalactosaminyltransferase 12; plus strand). Cytogenetic location: 9q22.33.
Variant type: single nucleotide variant.
Coding change: c.985G>A on transcript NM_024642.5 (MANE Select); coding-DNA position 985, G replaced by A.
Protein change: p.Asp329Asn; replaces aspartic acid 329 with asparagine.
Molecular consequence: missense variant.
Genome position (GRCh38, 1-based): chr9:98,835,316, G>A. VCF-style: chr9-98835316-G-A. GRCh37 (hg19) VCF-style: chr9-101597598-G-A.
Other names: short protein forms D329N.
Identifiers: ClinVar variation 1768423 (VCV001768423.10), dbSNP rs267602051, ClinGen allele CA196826108.